The following is an entry in ClinVar:

ClinVar aggregate classification (germline): Pathogenic (1 of 4 stars; one submission).

Conditions:
Endometrial carcinoma. Also called: Endometrial carcinoma, somatic. Identifiers: MedGen C0476089, MONDO:0002447, OMIM 608089, HP:0012114.
Familial cancer of breast. Also called: BREAST CANCER, FAMILIAL; hereditary breast carcinoma; Hereditary breast cancer. Identifiers: Orphanet 227535, MedGen C0346153, MONDO:0016419, OMIM 114480. Disease mechanism: loss of function.
Colorectal cancer. Also called: Malignant Colorectal Neoplasm; Colorectal cancer, somatic. Identifiers: MedGen C0346629, MONDO:0005575, OMIM 114500.

Submission:

Biomedical Genomics and Oncogenetics Laboratory, Institut Pasteur de Tunis, University Tunis El Manar
Classification: Pathogenic for Familial cancer of breast; Colorectal cancer; Endometrial carcinoma. Review status: criteria provided, single submitter. Criteria: ACMG Guidelines, 2015. Collection method: clinical testing. Allele origin: germline. Inheritance: Autosomal recessive inheritance. Affected: yes. Observed: 1 variant allele.
Comment: Variant identified in homozygous state .

NM_000057.4(BLM):c.3254dup (p.Arg1086fs)

Gene: BLM (BLM RecQ like helicase; plus strand). Cytogenetic location: 15q26.1.
Variant type: Duplication.
Coding change: c.3254dup on transcript NM_000057.4 (MANE Select); coding-DNA position 3254, one base duplicated (T; older notation c.3254dupT).
Protein change: p.Arg1086fs; shifts the reading frame from arginine 1086.
Molecular consequence: frameshift variant.
Genome position (GRCh38, 1-based): chr15:90,798,233, T duplicated. VCF-style (leftmost placement, unchanged base first): chr15-90798232-G-GT. GRCh37 (hg19) VCF-style: chr15-91341462-G-GT.
Other names: c.3254dup, p.Arg1086fs (NM_001287246.2, NM_001287247.2); c.2129dup, p.Arg711fs (NM_001287248.2); c.3254dupT (NM_000057.4); short protein forms R1086fs, R711fs.
Identifiers: ClinVar variation 2499621 (VCV002499621.2), dbSNP rs2505534508, ClinGen allele CA2582342629.